The following is an entry in ClinVar:

NM_000545.8(HNF1A):c.1825C>T (p.His609Tyr)

Genes: C12orf43 (chromosome 12 open reading frame 43; minus strand), HNF1A (HNF1 homeobox A; plus strand). Cytogenetic location: 12q24.31.
Variant type: single nucleotide variant.
Coding change: c.1825C>T on transcript NM_000545.8 (MANE Select); coding-DNA position 1825, C replaced by T.
Protein change: p.His609Tyr; replaces histidine 609 with tyrosine.
Molecular consequence: missense variant. On other transcripts: 3 prime UTR variant (3).
Genome position (GRCh38, 1-based): chr12:121,001,121, C>T. VCF-style: chr12-121001121-C-T. GRCh37 (hg19) VCF-style: chr12-121438924-C-T.
Other names: NM_022895.3:c.*3032G>A; NM_000545.8(HNF1A):c.1825C>T; p.His609Tyr; c.*3032G>A (NM_001286191.2, NM_001286196.2, NM_022895.3); c.1846C>T, p.His616Tyr (NM_001306179.2); c.1633C>T, p.His545Tyr (NM_001406915.1); short protein forms H609Y, H616Y, H545Y.
Identifiers: ClinVar variation 1687067 (VCV001687067.6), dbSNP rs2135854619, ClinGen allele CA386941084.

ClinVar aggregate classification (germline): Uncertain significance. Review status: reviewed by expert panel (3 of 4 stars). 2 submissions from 2 submitters: Uncertain significance (1). 1 of the submissions does not count toward it. Last evaluated 2025-09-26.

Conditions:
Monogenic diabetes. Identifiers: Orphanet 183625, MedGen C3888631, MONDO:0015967.
Diabetes mellitus type 1 (T1D). Also called: Diabetes Mellitus, Juvenile-Onset; Type I diabetes mellitus. Identifiers: MedGen C0011854, MONDO:0005147, OMIM 222100, HP:0100651.
Hepatic adenomas, familial. Also called: LIVER CELL ADENOMAS, FAMILIAL; HEPATIC ADENOMA, SOMATIC. Identifiers: MedGen C1840646, MONDO:0007718, OMIM 142330.
Type 1 diabetes mellitus 20 (T1D20). Also called: Diabetes mellitus, insulin-dependent, 20. Identifiers: MedGen C2675866, MONDO:0012919, OMIM 612520.
Nonpapillary renal cell carcinoma. Identifiers: Orphanet 422526, MedGen CN074294, MONDO:0007763, OMIM 144700.
Maturity-onset diabetes of the young type 3. Also called: MODY type 3; MODY, type III. Identifiers: Orphanet 552, MedGen C1838100, MeSH C563933, MONDO:0010894, OMIM 600496. Disease mechanism: loss of function.
Type 2 diabetes mellitus. Also called: Type II diabetes mellitus. Identifiers: MedGen C0011860, MeSH D003924, MONDO:0005148, OMIM 125853, HP:0005978.

Submissions (2):

ClinGen Monogenic Diabetes Variant Curation Expert Panel
Classification: Uncertain significance for Monogenic diabetes. Last evaluated: 2025-09-26. Review status: reviewed by expert panel. Criteria: ClinGen Diabetes ACMG Specifications HNF1A V3.0.0. Collection method: curation. Allele origin: germline. Inheritance: Autosomal dominant inheritance.
Comment: The c.1825C>T variant in the HNF1 homeobox A gene, HNF1A, causes an amino acid change of histidine to tyrosine at codon 609 (p.(His609Tyr)) of NM_000545.8. This variant is absent from gnomAD v4.1.0 (PM2_Supporting). This variant has a REVEL score of 0.628, which is between the ClinGen MDEP thresholds for BP4 and PP3, predicting neither a damaging nor benign impact on HNF1A function. In summary, c.1825C>T meets the criteria to be classified as a variant of uncertain significance for monogenic diabetes. ACMG/AMP criteria applied, as specified by the ClinGen MDEP (specification version 3.0.0, approved 6/30/2025): PM2_Supporting.

Fulgent Genetics
Classification: Uncertain significance for Type 2 diabetes mellitus; Hepatic adenomas, familial; Nonpapillary renal cell carcinoma; Diabetes mellitus type 1; Maturity-onset diabetes of the young type 3; Type 1 diabetes mellitus 20. Last evaluated: 2024-03-19. Review status: criteria provided, single submitter. Criteria: ACMG Guidelines, 2015. Collection method: clinical testing. Allele origin: germline. Not counted in ClinVar's aggregate classification.